The following is an entry in ClinVar:

NC_000011.10:g.(?_94470461)_(94492811_?)del

Gene: MRE11 (MRE11 homolog, double strand break repair nuclease; minus strand). Cytogenetic location: 11q21.
Variant type: Deletion.
Identifiers: ClinVar variation 833144 (VCV000833144.5).

ClinVar aggregate classification (germline): Pathogenic (1 of 4 stars; one submission).

Conditions:
Ataxia-telangiectasia-like disorder (ATLD). Identifiers: MedGen C1858391, MONDO:0011457.

Submission:

Labcorp Genetics (formerly Invitae), Labcorp
Classification: Pathogenic for Ataxia-telangiectasia-like disorder. Last evaluated: 2019-10-30. Review status: criteria provided, single submitter. Criteria: Invitae Variant Classification Sherloc (09022015). Collection method: clinical testing. Allele origin: germline.
Comment: This variant has not been reported in the literature in individuals with MRE11-related conditions. This variant is a gross deletion of the genomic region encompassing exons 2-9 of the MRE11 gene, which includes the initiator codon. The 5' end of this event is unknown as it extends beyond the assayed region for this gene and therefore may encompass additional genes. The 3' boundary is likely confined to intron 9 of the MRE11 gene. This is expected to result in an absent or disrupted protein product. Loss-of-function variants in MRE11 are known to be pathogenic (PMID: 23080121, 23912341). For these reasons, this variant has been classified as Pathogenic.

Literature cited by the submitters: PubMed 23080121; PubMed 23912341.